The following is an entry in ClinVar:

NM_001017995.3(SH3PXD2B):c.2702G>T (p.Trp901Leu)

Gene: SH3PXD2B (SH3 and PX domains 2B; minus strand). Cytogenetic location: 5q35.1.
Variant type: single nucleotide variant.
Coding change: c.2702G>T on transcript NM_001017995.3 (MANE Select); coding-DNA position 2702, G replaced by T.
Protein change: p.Trp901Leu; replaces tryptophan 901 with leucine.
Molecular consequence: missense variant. On other transcripts: intron variant (1).
Genome position (GRCh38, 1-based): chr5:172,338,403, C>A on the plus strand (G>T on the coding strand, the complement: SH3PXD2B is on the minus strand). VCF-style: chr5-172338403-C-A. GRCh37 (hg19) VCF-style: chr5-171765407-C-A.
Other names: c.1188+7733G>T (NM_001308175.2); short protein forms W901L.
Identifiers: ClinVar variation 2767278 (VCV002767278.3), dbSNP rs2532654166, ClinGen allele CA362144876.

ClinVar aggregate classification (germline): Uncertain significance (1 of 4 stars; one submission).

Submission:

Labcorp Genetics (formerly Invitae), Labcorp
Classification: Uncertain significance. Last evaluated: 2023-10-17. Review status: criteria provided, single submitter. Criteria: Invitae Variant Classification Sherloc (09022015). Collection method: clinical testing. Allele origin: germline.
Comment: This sequence change replaces tryptophan, which is neutral and slightly polar, with leucine, which is neutral and non-polar, at codon 901 of the SH3PXD2B protein (p.Trp901Leu). This variant is not present in population databases (gnomAD no frequency). This variant has not been reported in the literature in individuals affected with SH3PXD2B-related conditions. An algorithm developed to predict the effect of missense changes on protein structure and function (PolyPhen-2) suggests that this variant is likely to be disruptive. In summary, the available evidence is currently insufficient to determine the role of this variant in disease. Therefore, it has been classified as a Variant of Uncertain Significance.